The following is an entry in ClinVar:

ClinVar aggregate classification (germline): Benign/Likely benign. Review status: criteria provided, multiple submitters, no conflicts (2 of 4 stars). 9 submissions from 9 submitters: Benign (5); Likely benign (1). 3 of the submissions do not count toward it. Last evaluated 2026-02-01.

Conditions:
Hereditary sensory neuropathy-deafness-dementia syndrome. Also called: NEUROPATHY, HEREDITARY SENSORY, WITH HEARING LOSS AND DEMENTIA; Hereditary Sensory and Autonomic Neuropathy Type 1E (HSAN1E); HSN IE; Hereditary sensory neuropathy type IE. Identifiers: Orphanet 456318, MedGen C3279885, MONDO:0013584, OMIM 614116.

Allele frequency attached by ClinVar (database versions not stated): 1000 Genomes Project 0.00140; 1000 Genomes Project 30x 0.00141; TOPMed 0.00146; gnomAD 0.00153 and 0.00159; gnomAD exomes 0.00157 and 0.00271; ExAC 0.00168; ESP Exome Variant Server 0.00231.
gnomAD v4.1: 4,172 of 1,614,010 alleles (0.26%); highest among the groups gnomAD compares: Non-Finnish European, 0.31%; 2 homozygotes.

Submissions (9):

Labcorp Genetics (formerly Invitae), Labcorp
Classification: Benign for Hereditary sensory neuropathy-deafness-dementia syndrome. Last evaluated: 2026-02-01. Review status: criteria provided, single submitter. Criteria: Invitae Variant Classification Sherloc (09022015). Collection method: clinical testing. Allele origin: germline.

ARUP Laboratories, Molecular Genetics and Genomics, ARUP Laboratories
Classification: Benign. Last evaluated: 2025-07-09. Review status: criteria provided, single submitter. Criteria: ARUP Molecular Germline Variant Investigation Process 2024. Collection method: clinical testing. Allele origin: germline.

Women's Health and Genetics/Laboratory Corporation of America, LabCorp
Classification: Benign. Last evaluated: 2024-12-24. Review status: criteria provided, single submitter. Criteria: LabCorp Variant Classification Summary - May 2015. Collection method: clinical testing. Allele origin: germline.

Blueprint Genetics
Classification: Likely benign. Last evaluated: 2024-11-22. Review status: criteria provided, single submitter. Criteria: ACMG Guidelines, 2015. Collection method: clinical testing. Allele origin: germline.

Illumina Laboratory Services, Illumina
Classification: Benign for Hereditary sensory neuropathy-deafness-dementia syndrome. Last evaluated: 2018-01-13. Review status: criteria provided, single submitter. Criteria: ICSL Variant Classification Criteria 13 December 2019. Collection method: clinical testing. Allele origin: germline.
Comment: This variant was observed in the ICSL laboratory as part of a predisposition screen in an ostensibly healthy population. It had not been previously curated by ICSL or reported in the Human Gene Mutation Database (HGMD: prior to June 1st, 2018), and was therefore a candidate for classification through an automated scoring system. Utilizing variant allele frequency, disease prevalence and penetrance estimates, and inheritance mode, an automated score was calculated to assess if this variant is too frequent to cause the disease. Based on the score and internal cut-off values, a variant classified as benign is not then subjected to further curation. The score for this variant resulted in a classification of benign for this disease.

GeneDx
Classification: Benign. Last evaluated: 2015-08-31. Review status: criteria provided, single submitter. Criteria: GeneDx Variant Classification (06012015). Collection method: clinical testing. Allele origin: germline. Affected: yes.
Comment: This variant is considered likely benign or benign based on one or more of the following criteria: it is a conservative change, it occurs at a poorly conserved position in the protein, it is predicted to be benign by multiple in silico algorithms, and/or has population frequency not consistent with disease.

Clinical Genetics DNA and cytogenetics Diagnostics Lab, Erasmus MC, Erasmus Medical Center
Classification: Likely benign. Review status: no assertion criteria provided. Collection method: clinical testing. Allele origin: germline. Affected: yes. Study: VKGL Data-share Consensus. Not counted in ClinVar's aggregate classification.

Clinical Genetics, Academic Medical Center
Classification: Likely benign. Review status: no assertion criteria provided. Collection method: clinical testing. Allele origin: germline. Affected: yes. Study: VKGL Data-share Consensus. Not counted in ClinVar's aggregate classification.

Genome Diagnostics Laboratory, University Medical Center Utrecht
Classification: Likely benign. Review status: no assertion criteria provided. Collection method: clinical testing. Allele origin: germline. Affected: yes. Study: VKGL Data-share Consensus. Not counted in ClinVar's aggregate classification.

NM_001130823.3(DNMT1):c.2117+13G>A

Gene: DNMT1 (DNA methyltransferase 1; minus strand). Cytogenetic location: 19p13.2.
Variant type: single nucleotide variant.
Coding change: c.2117+13G>A on transcript NM_001130823.3 (MANE Select); 13 bases into the intron after coding-DNA position 2117, G replaced by A.
Molecular consequence: intron variant.
Genome position (GRCh38, 1-based): chr19:10,151,737, C>T on the plus strand (G>A on the coding strand, the complement: DNMT1 is on the minus strand). VCF-style: chr19-10151737-C-T. GRCh37 (hg19) VCF-style: chr19-10262413-C-T.
Other names: c.2117+13G>A (LRG_362t1); c.1754+13G>A (NM_001318731.2); c.2069+13G>A (NM_001379.4, NM_001318730.2).
Identifiers: ClinVar variation 327904 (VCV000327904.26), dbSNP rs112660071, ClinGen allele CA9188129.